The following is an entry in ClinVar:

ClinVar aggregate classification (germline): Pathogenic/Likely pathogenic. Review status: criteria provided, multiple submitters, no conflicts (2 of 4 stars). 2 submissions from 2 submitters: Pathogenic (1); Likely pathogenic (1). Last evaluated 2025-11-03.

Conditions:
PMM2-congenital disorder of glycosylation. Also called: PHOSPHOMANNOMUTASE 2 DEFICIENCY; CARBOHYDRATE-DEFICIENT GLYCOPROTEIN SYNDROME, TYPE Ia; CDG Ia; JAEKEN SYNDROME; Congenital disorder of glycosylation, type Ia; PMM2-CDG. Identifiers: Orphanet 79318, MedGen C0349653, MONDO:0008907, OMIM 212065.

Submissions (2):

Natera, Inc.
Classification: Likely pathogenic for Congenital disorder of glycosylation type 1a. Last evaluated: 2025-11-03. Review status: criteria provided, single submitter. Criteria: Natera Variant Classification Schema (03/2026). Collection method: clinical testing. Allele origin: germline.
Comment: The c.264_265del variant in PMM2 is a frameshift variant predicted to shift the reading frame beginning at codon 90 and leads to a stop codon 3 codons downstream. This variant is expected to result in nonsense mediated decay, truncation, or a dysfunctional protein product. This variant is rare in the general population with a frequency below the threshold expected for the associated phenotype(s). Given the available evidence, this variant is classified as Likely Pathogenic.

Labcorp Genetics (formerly Invitae), Labcorp
Classification: Pathogenic for PMM2-congenital disorder of glycosylation. Last evaluated: 2020-06-15. Review status: criteria provided, single submitter. Criteria: Invitae Variant Classification Sherloc (09022015). Collection method: clinical testing. Allele origin: germline.
Comment: This variant is not present in population databases (ExAC no frequency). This sequence change creates a premature translational stop signal (p.His90Serfs*3) in the PMM2 gene. It is expected to result in an absent or disrupted protein product. This variant has not been reported in the literature in individuals with PMM2-related conditions. Loss-of-function variants in PMM2 are known to be pathogenic (PMID: 19862844). For these reasons, this variant has been classified as Pathogenic.

Literature cited by the submitters: PubMed 19862844 (cited by Labcorp Genetics (formerly Invitae), Labcorp).

NM_000303.3(PMM2):c.264_265del (p.His90fs)

Gene: PMM2 (phosphomannomutase 2; plus strand). Cytogenetic location: 16p13.2.
Variant type: Deletion.
Coding change: c.264_265del on transcript NM_000303.3 (MANE Select); coding-DNA positions 264 to 265, 2 bases deleted (AA; older notation c.264_265delAA).
Protein change: p.His90fs; shifts the reading frame from histidine 90.
Molecular consequence: frameshift variant.
Genome position (GRCh38, 1-based): chr16:8,806,324-8,806,325, AA deleted; deleting any 2 consecutive bases within chr16:8,806,323-8,806,325 gives the same sequence; the c. name uses the placement nearest the transcript's 3' end. VCF-style (leftmost placement, unchanged base first): chr16-8806322-CAA-C. GRCh37 (hg19) VCF-style: chr16-8900179-CAA-C.
Other names: c.264_265del (NM_000303.2); short protein forms H90fs.
Identifiers: ClinVar variation 1075469 (VCV001075469.8), dbSNP rs2141019983, ClinGen allele CA2499223722.